The following is an entry in ClinVar:

NM_001201543.2(FAM161A):c.690del (p.Glu231fs)

Gene: FAM161A (FAM161 centrosomal protein A; minus strand). Cytogenetic location: 2p15.
Variant type: Deletion.
Coding change: c.690del on transcript NM_001201543.2 (MANE Select); coding-DNA position 690, one base deleted (A; older notation c.690delA).
Protein change: p.Glu231fs; shifts the reading frame from glutamic acid 231.
Molecular consequence: frameshift variant. On other transcripts: non-coding transcript variant (1).
Genome position (GRCh38, 1-based): chr2:61,840,314, T deleted on the plus strand (A on the coding strand, the reverse complement: FAM161A is on the minus strand); the first of 4 consecutive T bases (chr2:61,840,314-61,840,317); deleting any one gives the same sequence. VCF-style (leftmost placement, unchanged base first): chr2-61840313-CT-C. GRCh37 (hg19) VCF-style: chr2-62067448-CT-C.
Other names: NC_000002.11:g.62067452del; NP_001188472.1:p.(Glu231AsnfsTer14); c.690del, p.Glu231fs (NM_032180.3); short protein forms E231fs.
Identifiers: ClinVar variation 2796486 (VCV002796486.5), dbSNP rs771687855, ClinGen allele CA1679307.

ClinVar aggregate classification (germline): Pathogenic. Review status: criteria provided, multiple submitters, no conflicts (2 of 4 stars). 2 submissions from 2 submitters: Pathogenic (2). Last evaluated 2024-05-27.

Conditions:
Retinal dystrophy. Also called: Inherited retinal dystrophy. Identifiers: Orphanet 71862, MedGen C0854723, MeSH D058499, MONDO:0019118, HP:0000556.

Submissions (2):

Ophthalmic Genetics Group, Institute of Molecular and Clinical Ophthalmology Basel
Classification: Pathogenic for Retinal dystrophy. Last evaluated: 2024-05-27. Review status: criteria provided, single submitter. Criteria: ACMG Guidelines, 2015. Collection method: research. Allele origin: germline. Affected: yes. Observed: 3 variant alleles.
Comment: This variant was classified as Pathogenic based on ACMG criteria: PVS1_very strong and PM2_mod and PP1_strong

Labcorp Genetics (formerly Invitae), Labcorp
Classification: Pathogenic. Last evaluated: 2023-05-02. Review status: criteria provided, single submitter. Criteria: Invitae Variant Classification Sherloc (09022015). Collection method: clinical testing. Allele origin: germline.
Comment: For these reasons, this variant has been classified as Pathogenic. This variant has not been reported in the literature in individuals affected with FAM161A-related conditions. This variant is present in population databases (rs771687855, gnomAD 0.006%). This sequence change creates a premature translational stop signal (p.Glu231Asnfs*14) in the FAM161A gene. It is expected to result in an absent or disrupted protein product. Loss-of-function variants in FAM161A are known to be pathogenic (PMID: 20705278, 20705279, 24651477).

Literature cited by the submitters: PubMed 40180963 (cited by Ophthalmic Genetics Group, Institute of Molecular and Clinical Ophthalmology Basel); PubMed 20705278 (cited by Labcorp Genetics (formerly Invitae), Labcorp); PubMed 20705279 (cited by Labcorp Genetics (formerly Invitae), Labcorp); PubMed 24651477 (cited by Labcorp Genetics (formerly Invitae), Labcorp).